The following is an entry in ClinVar:

ClinVar aggregate classification (germline): Uncertain significance (1 of 4 stars; one submission).

Conditions:
Early-infantile DEE. Also called: Ohtahara syndrome; Early infantile epileptic encephalopathy with suppression bursts; Early infantile epileptic encephalopathy. Identifiers: Orphanet 1934, MedGen C0393706, MONDO:0800491.

Submission:

Labcorp Genetics (formerly Invitae), Labcorp
Classification: Uncertain significance for Early-infantile DEE. Last evaluated: 2025-05-22. Review status: criteria provided, single submitter. Criteria: Invitae Variant Classification Sherloc (09022015). Collection method: clinical testing. Allele origin: germline.
Comment: This sequence change falls in intron 20 of the SCN1A gene. It does not directly change the encoded amino acid sequence of the SCN1A protein. However, this sequence change falls within a region encompassing a cryptic exon in the SCN1A gene, in which variants have been shown to alter splicing (PMID: 30526861, 34107977). This variant is not present in population databases (gnomAD no frequency). This variant has not been reported in the literature in individuals affected with SCN1A-related conditions. Algorithms developed to predict the effect of sequence changes on RNA splicing suggest that this variant is not likely to affect RNA splicing. In summary, the available evidence is currently insufficient to determine the role of this variant in disease. Therefore, it has been classified as a Variant of Uncertain Significance.

Literature cited by the submitters: PubMed 30526861; PubMed 34107977.

NM_001165963.4(SCN1A):c.4002+2208G>C

Genes: SCN1A (sodium voltage-gated channel alpha subunit 1; minus strand), LOC102724058 (uncharacterized LOC102724058; plus strand). Cytogenetic location: 2q24.3.
Variant type: single nucleotide variant.
Coding change: c.4002+2208G>C on transcript NM_001165963.4 (MANE Select); 2208 bases into the intron after coding-DNA position 4002, G replaced by C.
Molecular consequence: intron variant.
Genome position (GRCh38, 1-based): chr2:166,007,511, C>G on the plus strand (G>C on the coding strand, the complement: SCN1A is on the minus strand). VCF-style: chr2-166007511-C-G. GRCh37 (hg19) VCF-style: chr2-166864021-C-G.
Other names: c.3969+2208G>C (NM_001353949.2, NM_001353950.2, NM_001353951.2 and 2 more transcripts); c.3918+2208G>C (NM_001353958.2, NM_001353957.2, NM_001165964.3); c.4002+2208G>C (NM_001202435.3, NM_001353948.2); c.3966+2208G>C (NM_001353955.2, NM_001353954.2); c.3915+2208G>C (NM_001353960.2); c.1560+2208G>C (NM_001353961.2).
Identifiers: ClinVar variation 4767389 (VCV004767389.1).
Genomic context (GRCh38, chr2:166,007,511, plus strand): 5'-AGGAAATTAAAAATACAAATTTAAACACAAATTTTATTTTACCCTAGATATTCACGACAT[C>G]AATTCACTCAGTTTAATTTTACAAGTTGAAAAATTTGGACTGGAAATTTGAAATACAATA-3'